The following is an entry in ClinVar:

ClinVar aggregate classification (germline): Uncertain significance. Review status: criteria provided, multiple submitters, no conflicts (2 of 4 stars). 2 submissions from 2 submitters: Uncertain significance (2). Last evaluated 2024-06-26.

Conditions:
Inborn genetic diseases. Identifiers: MedGen C0950123, MeSH D030342.
Infantile-onset ascending hereditary spastic paralysis (IAHSP). Also called: Autosomal Recessive Juvenile Amyotrophic Lateral Sclerosis; Infantile-Onset Ascending Hereditary Spastic Paralysis (IAHSP). Identifiers: Orphanet 293168, MedGen C2931441, MONDO:0011797, OMIM 607225. Disease mechanism: loss of function.

Allele frequency attached by ClinVar (database versions not stated): gnomAD exomes 0.00003 and 0.00004; gnomAD 0.00004; TOPMed 0.00007; 1000 Genomes Project 0.00020; 1000 Genomes Project 30x 0.00031.
gnomAD v4.1: 32 of 1,614,108 alleles (0.002%); highest among the groups gnomAD compares: Admixed American, 0.025%; no homozygotes.

Submissions (2):

Ambry Genetics
Classification: Uncertain significance for Inborn genetic diseases. Last evaluated: 2024-06-26. Review status: criteria provided, single submitter. Criteria: Ambry Variant Classification Scheme 2023. Collection method: clinical testing. Allele origin: germline.

Labcorp Genetics (formerly Invitae), Labcorp
Classification: Uncertain significance for Infantile-onset ascending hereditary spastic paralysis. Last evaluated: 2022-10-17. Review status: criteria provided, single submitter. Criteria: Invitae Variant Classification Sherloc (09022015). Collection method: clinical testing. Allele origin: germline.
Comment: This sequence change replaces serine, which is neutral and polar, with asparagine, which is neutral and polar, at codon 1021 of the ALS2 protein (p.Ser1021Asn). This variant is present in population databases (rs187637699, gnomAD 0.009%). This variant has not been reported in the literature in individuals affected with ALS2-related conditions. ClinVar contains an entry for this variant (Variation ID: 853631). Algorithms developed to predict the effect of missense changes on protein structure and function (SIFT, PolyPhen-2, Align-GVGD) all suggest that this variant is likely to be tolerated. In summary, the available evidence is currently insufficient to determine the role of this variant in disease. Therefore, it has been classified as a Variant of Uncertain Significance.

NM_020919.4(ALS2):c.3062G>A (p.Ser1021Asn)

Gene: ALS2 (alsin Rho guanine nucleotide exchange factor ALS2; minus strand). Cytogenetic location: 2q33.1.
Variant type: single nucleotide variant.
Coding change: c.3062G>A on transcript NM_020919.4 (MANE Select); coding-DNA position 3062, G replaced by A.
Protein change: p.Ser1021Asn; replaces serine 1021 with asparagine.
Molecular consequence: missense variant.
Genome position (GRCh38, 1-based): chr2:201,726,784, C>T on the plus strand (G>A on the coding strand, the complement: ALS2 is on the minus strand). VCF-style: chr2-201726784-C-T. GRCh37 (hg19) VCF-style: chr2-202591507-C-T.
Other names: short protein forms S1021N.
Identifiers: ClinVar variation 853631 (VCV000853631.9), dbSNP rs187637699, ClinGen allele CA63940406.